The following is an entry in ClinVar:

NM_001005188.1(OR6X1):c.413T>C (p.Leu138Pro)

Gene: OR6X1 (olfactory receptor family 6 subfamily X member 1; minus strand). Cytogenetic location: 11q24.1.
Variant type: single nucleotide variant.
Coding change: c.413T>C on transcript NM_001005188.1 (MANE Select); coding-DNA position 413, T replaced by C.
Protein change: p.Leu138Pro; replaces leucine 138 with proline.
Molecular consequence: missense variant.
Genome position (GRCh38, 1-based): chr11:123,754,106, A>G on the plus strand (T>C on the coding strand, the complement: OR6X1 is on the minus strand). VCF-style: chr11-123754106-A-G. GRCh37 (hg19) VCF-style: chr11-123624814-A-G.
Other names: short protein forms L138P.
Identifiers: ClinVar variation 4563003 (VCV004563003.1).

ClinVar aggregate classification (germline): Uncertain significance (1 of 4 stars; one submission).

gnomAD v4.1: 4 of 1,614,122 alleles (0.00025%); highest among the groups gnomAD compares: Non-Finnish European, 0.00025%; no homozygotes.

Submission:

Ambry Genetics
Classification: Uncertain significance. Last evaluated: 2025-10-23. Review status: criteria provided, single submitter. Criteria: Ambry Variant Classification Scheme 2023. Collection method: clinical testing. Allele origin: germline.
Comment: The c.413T>C (p.L138P) alteration is located in exon 1 (coding exon 1) of the OR6X1 gene. This alteration results from a T to C substitution at nucleotide position 413, causing the leucine (L) at amino acid position 138 to be replaced by a proline (P). Based on data from gnomAD, the C allele has an overall frequency of <0.001% (1/251274) total alleles studied. The highest observed frequency was 0.001% (1/113618) of European (non-Finnish) alleles. Based on insufficient or conflicting evidence, the clinical significance of this alteration remains unclear.